The following is an entry in ClinVar:

NM_020427.3(SLURP1):c.256G>C (p.Gly86Arg)

Gene: SLURP1 (secreted LY6/PLAUR domain containing 1; minus strand). Cytogenetic location: 8q24.3.
Variant type: single nucleotide variant.
Coding change: c.256G>C on transcript NM_020427.3 (MANE Select); coding-DNA position 256, G replaced by C.
Protein change: p.Gly86Arg; replaces glycine 86 with arginine.
Molecular consequence: missense variant.
Genome position (GRCh38, 1-based): chr8:142,741,199, C>G on the plus strand (G>C on the coding strand, the complement: SLURP1 is on the minus strand). VCF-style: chr8-142741199-C-G. GRCh37 (hg19) VCF-style: chr8-143822617-C-G.
Other names: SLURP1, GLY86ARG, 1764G-C; p.G86R; short protein forms G86R.
Identifiers: ClinVar variation 4603 (VCV000004603.5), dbSNP rs28937888, ClinGen allele CA116951.

ClinVar aggregate classification (germline): Pathogenic. Review status: no assertion criteria provided (0 of 4 stars). 2 submissions from 2 submitters: Pathogenic (2). Last evaluated 2025-02-03.

Conditions:
Acroerythrokeratoderma (MDM). Also called: KERATOSIS PALMOPLANTARIS TRANSGREDIENS OF SIEMENS; PALMOPLANTAR KERATODERMA, NORRBOTTEN RECESSIVE TYPE; Meleda disease; Mal de Meleda; PALMOPLANTAR KERATODERMA, GAMBORG NIELSEN TYPE. Identifiers: Orphanet 87503, MedGen C0025221, MONDO:0009552, OMIM 248300.

Submissions (2):

Human Molecular Lab, Hazara University
Classification: Pathogenic for Acroerythrokeratoderma. Last evaluated: 2025-02-03. Review status: no assertion criteria provided. Collection method: research. Allele origin: inherited. Inheritance: Autosomal recessive inheritance. Affected: yes. Observed: 1 variant allele, 1 homozygote.
Comment: The variant c.G256C:p.G86R of the SLURP1 gene causes Mal de Meleda (MDM), which has previously been reported in families with an autosomal recessive mode of inheritance. In those families, the variant segregated with the disease, including both affected and unaffected members.

OMIM
Classification: Pathogenic for MAL DE MELEDA. Last evaluated: 2003-01-01. Review status: no assertion criteria provided. Collection method: literature only. Allele origin: germline.

Literature cited by the submitters: PubMed 12483299 (cited by OMIM); PubMed 9887370 (cited by OMIM); PubMed 11285253 (cited by OMIM).